The following is an entry in ClinVar:

ClinVar aggregate classification (germline): Uncertain significance (1 of 4 stars; one submission).

Conditions:
Inborn genetic diseases. Identifiers: MedGen C0950123, MeSH D030342.

Submission:

Ambry Genetics
Classification: Uncertain significance for Inborn genetic diseases. Last evaluated: 2026-05-14. Review status: criteria provided, single submitter. Criteria: Ambry Variant Classification Scheme 2023. Collection method: clinical testing. Allele origin: germline.
Comment: The p.N1547D variant (also known as c.4639A>G), located in coding exon 18 of the FANCM gene, results from an A to G substitution at nucleotide position 4639. The asparagine at codon 1547 is replaced by aspartic acid, an amino acid with highly similar properties. This amino acid position is conserved. In addition, this alteration is predicted to be tolerated by in silico analysis. Based on the available evidence, the clinical significance of this variant remains unclear.

NM_020937.4(FANCM):c.4639A>G (p.Asn1547Asp)

Gene: FANCM (FA complementation group M; plus strand). Cytogenetic location: 14q21.2.
Variant type: single nucleotide variant.
Coding change: c.4639A>G on transcript NM_020937.4 (MANE Select); coding-DNA position 4639, A replaced by G.
Protein change: p.Asn1547Asp; replaces asparagine 1547 with aspartic acid.
Molecular consequence: missense variant.
Genome position (GRCh38, 1-based): chr14:45,185,340, A>G. VCF-style: chr14-45185340-A-G. GRCh37 (hg19) VCF-style: chr14-45654543-A-G.
Other names: c.4561A>G, p.Asn1521Asp (NM_001308133.2); short protein forms N1521D, N1547D.
Identifiers: ClinVar variation 4871142 (VCV004871142.1).